The following is an entry in ClinVar:

NM_001160372.4(TRAPPC9):c.2947G>A (p.Gly983Ser)

Gene: TRAPPC9 (trafficking protein particle complex subunit 9; minus strand). Cytogenetic location: 8q24.3.
Variant type: single nucleotide variant.
Coding change: c.2947G>A on transcript NM_001160372.4 (MANE Select); coding-DNA position 2947, G replaced by A.
Protein change: p.Gly983Ser; replaces glycine 983 with serine.
Molecular consequence: missense variant. On other transcripts: non-coding transcript variant (1).
Genome position (GRCh38, 1-based): chr8:139,910,164, C>T on the plus strand (G>A on the coding strand, the complement: TRAPPC9 is on the minus strand). VCF-style: chr8-139910164-C-T. GRCh37 (hg19) VCF-style: chr8-140922408-C-T.
Other names: c.2920G>A, p.Gly974Ser (NM_001321646.2); c.2968G>A, p.Gly990Ser (NM_001374682.1); c.2836G>A, p.Gly946Ser (NM_001374683.1); c.2803G>A, p.Gly935Ser (NM_001374684.1); c.2947G>A, p.Gly983Ser (NM_031466.8); c.3241G>A (NM_031466.5); short protein forms G990S, G935S, G946S, G974S, G983S.
Identifiers: ClinVar variation 1903484 (VCV001903484.4), dbSNP rs770440531, ClinGen allele CA4892871.

ClinVar aggregate classification (germline): Uncertain significance. Review status: criteria provided, multiple submitters, no conflicts (2 of 4 stars). 2 submissions from 2 submitters: Uncertain significance (2). Last evaluated 2024-08-27.

Conditions:
Inborn genetic diseases. Identifiers: MedGen C0950123, MeSH D030342.

Allele frequency attached by ClinVar (database versions not stated): ExAC 0.00001; gnomAD 0.00001; TOPMed 0.00001; gnomAD exomes 0.00002.
gnomAD v4.1: 28 of 1,613,880 alleles (0.0017%); highest among the groups gnomAD compares: Middle Eastern, 0.033%; no homozygotes.

Submissions (2):

Ambry Genetics
Classification: Uncertain significance for Inborn genetic diseases. Last evaluated: 2024-08-27. Review status: criteria provided, single submitter. Criteria: Ambry Variant Classification Scheme 2023. Collection method: clinical testing. Allele origin: germline.

Labcorp Genetics (formerly Invitae), Labcorp
Classification: Uncertain significance. Last evaluated: 2022-01-26. Review status: criteria provided, single submitter. Criteria: Invitae Variant Classification Sherloc (09022015). Collection method: clinical testing. Allele origin: germline.
Comment: In summary, the available evidence is currently insufficient to determine the role of this variant in disease. Therefore, it has been classified as a Variant of Uncertain Significance. Algorithms developed to predict the effect of missense changes on protein structure and function are either unavailable or do not agree on the potential impact of this missense change (SIFT: "Not Available"; PolyPhen-2: "Benign"; Align-GVGD: "Not Available"). This variant has not been reported in the literature in individuals affected with TRAPPC9-related conditions. This variant is present in population databases (rs770440531, gnomAD 0.003%). This sequence change replaces glycine, which is neutral and non-polar, with serine, which is neutral and polar, at codon 1081 of the TRAPPC9 protein (p.Gly1081Ser).